The following is an entry in ClinVar:

NM_004924.6(ACTN4):c.1291+5G>A

Gene: ACTN4 (actinin alpha 4; plus strand). Cytogenetic location: 19q13.2.
Variant type: single nucleotide variant.
Coding change: c.1291+5G>A on transcript NM_004924.6 (MANE Select); 5 bases into the intron after coding-DNA position 1291, G replaced by A.
Molecular consequence: intron variant.
Genome position (GRCh38, 1-based): chr19:38,718,079, G>A. VCF-style: chr19-38718079-G-A. GRCh37 (hg19) VCF-style: chr19-39208719-G-A.
Other names: c.1291+5G>A (NM_001322033.2).
Identifiers: ClinVar variation 2176260 (VCV002176260.4), dbSNP rs781248275, ClinGen allele CA9417567.

ClinVar aggregate classification (germline): Uncertain significance (1 of 4 stars; one submission).

Allele frequency attached by ClinVar (database versions not stated): ExAC 0.00001; gnomAD 0.00003.
gnomAD v4.1: 13 of 1,605,340 alleles (0.00081%); highest among the groups gnomAD compares: African/African-American, 0.0067%; no homozygotes.

Submission:

Labcorp Genetics (formerly Invitae), Labcorp
Classification: Uncertain significance. Last evaluated: 2022-05-01. Review status: criteria provided, single submitter. Criteria: Invitae Variant Classification Sherloc (09022015). Collection method: clinical testing. Allele origin: germline.
Comment: This variant has not been reported in the literature in individuals affected with ACTN4-related conditions. The frequency data for this variant in the population databases is considered unreliable, as metrics indicate poor data quality at this position in the gnomAD database. This sequence change falls in intron 11 of the ACTN4 gene. It does not directly change the encoded amino acid sequence of the ACTN4 protein. It affects a nucleotide within the consensus splice site. In summary, the available evidence is currently insufficient to determine the role of this variant in disease. Therefore, it has been classified as a Variant of Uncertain Significance. Variants that disrupt the consensus splice site are a relatively common cause of aberrant splicing (PMID: 17576681, 9536098). Algorithms developed to predict the effect of sequence changes on RNA splicing suggest that this variant is not likely to affect RNA splicing.

Literature cited by the submitters: PubMed 17576681; PubMed 9536098.